The following is an entry in ClinVar:

ClinVar aggregate classification (germline): Uncertain significance. Review status: criteria provided, multiple submitters, no conflicts (2 of 4 stars). 2 submissions from 2 submitters: Uncertain significance (2). Last evaluated 2023-06-05.

Conditions:
Inborn genetic diseases. Identifiers: MedGen C0950123, MeSH D030342.

Allele frequency attached by ClinVar (database versions not stated): gnomAD exomes 0.00001; ExAC 0.00004.
gnomAD v4.1: 9 of 1,614,178 alleles (0.00056%); highest among the groups gnomAD compares: South Asian, 0.0088%; no homozygotes.

Submissions (2):

Ambry Genetics
Classification: Uncertain significance for Inborn genetic diseases. Last evaluated: 2023-06-05. Review status: criteria provided, single submitter. Criteria: Ambry Variant Classification Scheme 2023. Collection method: clinical testing. Allele origin: germline.

Labcorp Genetics (formerly Invitae), Labcorp
Classification: Uncertain significance. Last evaluated: 2022-05-30. Review status: criteria provided, single submitter. Criteria: Invitae Variant Classification Sherloc (09022015). Collection method: clinical testing. Allele origin: germline.
Comment: This sequence change replaces serine, which is neutral and polar, with asparagine, which is neutral and polar, at codon 40 of the TYR protein (p.Ser40Asn). This variant is present in population databases (rs763195455, gnomAD 0.02%). This variant has not been reported in the literature in individuals affected with TYR-related conditions. Advanced modeling of protein sequence and biophysical properties (such as structural, functional, and spatial information, amino acid conservation, physicochemical variation, residue mobility, and thermodynamic stability) performed at Invitae indicates that this missense variant is not expected to disrupt TYR protein function. In summary, the available evidence is currently insufficient to determine the role of this variant in disease. Therefore, it has been classified as a Variant of Uncertain Significance.

NM_000372.5(TYR):c.119G>A (p.Ser40Asn)

Gene: TYR (tyrosinase; plus strand). Cytogenetic location: 11q14.3.
Variant type: single nucleotide variant.
Coding change: c.119G>A on transcript NM_000372.5 (MANE Select); coding-DNA position 119, G replaced by A.
Protein change: p.Ser40Asn; replaces serine 40 with asparagine.
Molecular consequence: missense variant.
Genome position (GRCh38, 1-based): chr11:89,178,072, G>A. VCF-style: chr11-89178072-G-A. GRCh37 (hg19) VCF-style: chr11-88911240-G-A.
Other names: c.119G>A (NM_000372.4); short protein forms S40N.
Identifiers: ClinVar variation 1905775 (VCV001905775.4), dbSNP rs763195455, ClinGen allele CA6221044.
Genomic context (GRCh38, chr11:89,178,072, plus strand): 5'-TCCCTAGAGCCTGTGTCTCCTCTAAGAACCTGATGGAGAAGGAATGCTGTCCACCGTGGA[G>A]CGGGGACAGGAGTCCCTGTGGCCAGCTTTCAGGCAGAGGTTCCTGTCAGAATATCCTTCT-3'
Protein context (NP_000363.1, residues 30-50): LMEKECCPPW[Ser40Asn]GDRSPCGQLS